The following is an entry in ClinVar:

ClinVar aggregate classification (germline): Uncertain significance. Review status: criteria provided, multiple submitters, no conflicts (2 of 4 stars). 2 submissions from 2 submitters: Uncertain significance (2). Last evaluated 2025-08-25.

Submissions (2):

Ambry Genetics
Classification: Uncertain significance. Last evaluated: 2025-08-25. Review status: criteria provided, single submitter. Criteria: Ambry Variant Classification Scheme 2023. Collection method: clinical testing. Allele origin: germline.

Labcorp Genetics (formerly Invitae), Labcorp
Classification: Uncertain significance. Last evaluated: 2025-08-17. Review status: criteria provided, single submitter. Criteria: Invitae Variant Classification Sherloc (09022015). Collection method: clinical testing. Allele origin: germline.
Comment: This sequence change replaces tyrosine, which is neutral and polar, with cysteine, which is neutral and slightly polar, at codon 530 of the RNF31 protein (p.Tyr530Cys). This variant is present in population databases (rs750364681, gnomAD 0.0009%). This variant has not been reported in the literature in individuals affected with RNF31-related conditions. An algorithm developed to predict the effect of missense changes on protein structure and function (PolyPhen-2) suggests that this variant is likely to be tolerated. In summary, the available evidence is currently insufficient to determine the role of this variant in disease. Therefore, it has been classified as a Variant of Uncertain Significance.

NM_017999.5(RNF31):c.1589A>G (p.Tyr530Cys)

Gene: RNF31 (ring finger protein 31; plus strand). Cytogenetic location: 14q12.
Variant type: single nucleotide variant.
Coding change: c.1589A>G on transcript NM_017999.5 (MANE Select); coding-DNA position 1589, A replaced by G.
Protein change: p.Tyr530Cys; replaces tyrosine 530 with cysteine.
Molecular consequence: missense variant.
Genome position (GRCh38, 1-based): chr14:24,151,231, A>G. VCF-style: chr14-24151231-A-G. GRCh37 (hg19) VCF-style: chr14-24620440-A-G.
Other names: c.1136A>G, p.Tyr379Cys (NM_001310332.2); short protein forms Y530C, Y379C.
Identifiers: ClinVar variation 4155641 (VCV004155641.2).